The following is an entry in ClinVar:

ClinVar aggregate classification (germline): Uncertain significance (1 of 4 stars; one submission).

gnomAD v4.1: 6 of 1,452,806 alleles (0.00041%); highest among the groups gnomAD compares: South Asian, 0.0085%; no homozygotes.

Submission:

Labcorp Genetics (formerly Invitae), Labcorp
Classification: Uncertain significance. Last evaluated: 2023-01-31. Review status: criteria provided, single submitter. Criteria: Invitae Variant Classification Sherloc (09022015). Collection method: clinical testing. Allele origin: germline.
Comment: This sequence change replaces proline, which is neutral and non-polar, with arginine, which is basic and polar, at codon 887 of the AP3D1 protein (p.Pro887Arg). This variant is not present in population databases (gnomAD no frequency). This variant has not been reported in the literature in individuals affected with AP3D1-related conditions. Algorithms developed to predict the effect of missense changes on protein structure and function (SIFT, PolyPhen-2, Align-GVGD) all suggest that this variant is likely to be tolerated. In summary, the available evidence is currently insufficient to determine the role of this variant in disease. Therefore, it has been classified as a Variant of Uncertain Significance.

NM_001261826.3(AP3D1):c.2660C>G (p.Pro887Arg)

Gene: AP3D1 (adaptor related protein complex 3 subunit delta 1; minus strand). Cytogenetic location: 19p13.3.
Variant type: single nucleotide variant.
Coding change: c.2660C>G on transcript NM_001261826.3 (MANE Select); coding-DNA position 2660, C replaced by G.
Protein change: p.Pro887Arg; replaces proline 887 with arginine.
Molecular consequence: missense variant. On other transcripts: intron variant (1).
Genome position (GRCh38, 1-based): chr19:2,113,355, G>C on the plus strand (C>G on the coding strand, the complement: AP3D1 is on the minus strand). VCF-style: chr19-2113355-G-C. GRCh37 (hg19) VCF-style: chr19-2113354-G-C.
Other names: c.2660C>G, p.Pro887Arg (NM_001374799.1); c.2601+770C>G (NM_003938.8); short protein forms P887R.
Identifiers: ClinVar variation 2833317 (VCV002833317.3), dbSNP rs533823919, ClinGen allele CA403207113.